The following is an entry in ClinVar:

ClinVar aggregate classification (germline): Uncertain significance (1 of 4 stars; one submission).

Conditions:
Immunodeficiency 39 (IMD39). Identifiers: Orphanet 574918, MedGen C4225358, MONDO:0014597, OMIM 616345.

Submission:

Labcorp Genetics (formerly Invitae), Labcorp
Classification: Uncertain significance for Immunodeficiency 39. Last evaluated: 2023-10-23. Review status: criteria provided, single submitter. Criteria: Invitae Variant Classification Sherloc (09022015). Collection method: clinical testing. Allele origin: germline.
Comment: This sequence change replaces tryptophan, which is neutral and slightly polar, with cysteine, which is neutral and slightly polar, at codon 30 of the IRF7 protein (p.Trp30Cys). This variant is not present in population databases (gnomAD no frequency). This variant has not been reported in the literature in individuals affected with IRF7-related conditions. Advanced modeling of protein sequence and biophysical properties (such as structural, functional, and spatial information, amino acid conservation, physicochemical variation, residue mobility, and thermodynamic stability) performed at Invitae indicates that this missense variant is expected to disrupt IRF7 protein function. In summary, the available evidence is currently insufficient to determine the role of this variant in disease. Therefore, it has been classified as a Variant of Uncertain Significance.

NM_001572.5(IRF7):c.51G>T (p.Trp17Cys)

Gene: IRF7 (interferon regulatory factor 7; minus strand). Cytogenetic location: 11p15.5.
Variant type: single nucleotide variant.
Coding change: c.51G>T on transcript NM_001572.5 (MANE Select); coding-DNA position 51, G replaced by T.
Protein change: p.Trp17Cys; replaces tryptophan 17 with cysteine.
Molecular consequence: missense variant.
Genome position (GRCh38, 1-based): chr11:615,229, C>A on the plus strand (G>T on the coding strand, the complement: IRF7 is on the minus strand). VCF-style: chr11-615229-C-A. GRCh37 (hg19) VCF-style: chr11-615229-C-A.
Other names: c.51G>T, p.Trp17Cys (NM_004029.4); c.90G>T, p.Trp30Cys (NM_004031.4); short protein forms W17C, W30C.
Identifiers: ClinVar variation 2962943 (VCV002962943.3), dbSNP rs2493950396, ClinGen allele CA378984900.